The following is an entry in ClinVar:

NM_021942.6(TRAPPC11):c.53C>T (p.Ala18Val)

Gene: TRAPPC11 (trafficking protein particle complex subunit 11; plus strand). Cytogenetic location: 4q35.1.
Variant type: single nucleotide variant.
Coding change: c.53C>T on transcript NM_021942.6 (MANE Select); coding-DNA position 53, C replaced by T.
Protein change: p.Ala18Val; replaces alanine 18 with valine.
Molecular consequence: missense variant.
Genome position (GRCh38, 1-based): chr4:183,663,920, C>T. VCF-style: chr4-183663920-C-T. GRCh37 (hg19) VCF-style: chr4-184585073-C-T.
Other names: c.53C>T, p.Ala18Val (NM_199053.3); short protein forms A18V.
Identifiers: ClinVar variation 2187756 (VCV002187756.4), dbSNP rs780142474, ClinGen allele CA3151469.

ClinVar aggregate classification (germline): Uncertain significance (1 of 4 stars; one submission).

Conditions:
Autosomal recessive limb-girdle muscular dystrophy type R18 (LGMDR18). Also called: Limb-girdle muscular dystrophy, type 2S; MUSCULAR DYSTROPHY, LIMB-GIRDLE, AUTOSOMAL RECESSIVE 18; Autosomal recessive limb-girdle muscular dystrophy type 2S. Identifiers: Orphanet 369840, MedGen C4517996, MONDO:0014144, OMIM 615356.

Allele frequency attached by ClinVar (database versions not stated): ExAC 0.00001; gnomAD exomes 0.00001.
gnomAD v4.1: 3 of 1,614,116 alleles (0.00019%); highest among the groups gnomAD compares: Non-Finnish European, 0.00025%; no homozygotes.

Submission:

Labcorp Genetics (formerly Invitae), Labcorp
Classification: Uncertain significance for Autosomal recessive limb-girdle muscular dystrophy type R18. Last evaluated: 2024-04-08. Review status: criteria provided, single submitter. Criteria: Invitae Variant Classification Sherloc (09022015). Collection method: clinical testing. Allele origin: germline.
Comment: This sequence change replaces alanine, which is neutral and non-polar, with valine, which is neutral and non-polar, at codon 18 of the TRAPPC11 protein (p.Ala18Val). This variant is present in population databases (rs780142474, gnomAD 0.0009%). This variant has not been reported in the literature in individuals affected with TRAPPC11-related conditions. ClinVar contains an entry for this variant (Variation ID: 2187756). Advanced modeling of protein sequence and biophysical properties (such as structural, functional, and spatial information, amino acid conservation, physicochemical variation, residue mobility, and thermodynamic stability) has been performed at Invitae for this missense variant, however the output from this modeling did not meet the statistical confidence thresholds required to predict the impact of this variant on TRAPPC11 protein function. In summary, the available evidence is currently insufficient to determine the role of this variant in disease. Therefore, it has been classified as a Variant of Uncertain Significance.